The following is an entry in ClinVar:

ClinVar aggregate classification (germline): Uncertain significance (1 of 4 stars; one submission).

Submission:

Labcorp Genetics (formerly Invitae), Labcorp
Classification: Uncertain significance. Last evaluated: 2025-07-21. Review status: criteria provided, single submitter. Criteria: Invitae Variant Classification Sherloc (09022015). Collection method: clinical testing. Allele origin: germline.
Comment: This sequence change replaces proline, which is neutral and non-polar, with serine, which is neutral and polar, at codon 1394 of the COL4A2 protein (p.Pro1394Ser). This variant is not present in population databases (gnomAD no frequency). This variant has not been reported in the literature in individuals affected with COL4A2-related conditions. ClinVar contains an entry for this variant (Variation ID: 3644043). Invitae Evidence Modeling of protein sequence and biophysical properties (such as structural, functional, and spatial information, amino acid conservation, physicochemical variation, residue mobility, and thermodynamic stability) indicates that this missense variant is not expected to disrupt COL4A2 protein function with a negative predictive value of 95%. In summary, the available evidence is currently insufficient to determine the role of this variant in disease. Therefore, it has been classified as a Variant of Uncertain Significance.

NM_001846.4(COL4A2):c.4180C>T (p.Pro1394Ser)

Genes: COL4A2 (collagen type IV alpha 2 chain; plus strand), COL4A2-AS1 (COL4A2 antisense RNA 1; minus strand). Cytogenetic location: 13q34.
Variant type: single nucleotide variant.
Coding change: c.4180C>T on transcript NM_001846.4 (MANE Select); coding-DNA position 4180, C replaced by T.
Protein change: p.Pro1394Ser; replaces proline 1394 with serine.
Molecular consequence: missense variant.
Genome position (GRCh38, 1-based): chr13:110,503,888, C>T. VCF-style: chr13-110503888-C-T. GRCh37 (hg19) VCF-style: chr13-111156235-C-T.
Other names: short protein forms P1394S.
Identifiers: ClinVar variation 3644043 (VCV003644043.2).